The following is an entry in ClinVar:

ClinVar aggregate classification (germline): Benign/Likely benign. Review status: criteria provided, multiple submitters, no conflicts (2 of 4 stars). 13 submissions from 13 submitters: Benign (2); Likely benign (9). 2 of the submissions do not count toward it. Last evaluated 2026-06-30.

Conditions:
Hereditary cancer-predisposing syndrome. Also called: Hereditary neoplastic syndrome; Tumor predisposition; Neoplastic Syndromes, Hereditary; Hereditary Cancer Syndrome. Identifiers: Orphanet 140162, MedGen C0027672, MeSH D009386, MONDO:0015356.
Bloom syndrome (BLM). Also called: Bloom-Torre-Machacek syndrome. Identifiers: Orphanet 125, MedGen C0005859, MONDO:0008876, OMIM 210900.

Allele frequency attached by ClinVar (database versions not stated): gnomAD exomes 0.00051; ExAC 0.00056; ESP Exome Variant Server 0.00108; gnomAD 0.00201 and 0.00213; TOPMed 0.00209; 1000 Genomes Project 0.00280; 1000 Genomes Project 30x 0.00328.
gnomAD v4.1: 579 of 1,614,124 alleles (0.036%); highest among the groups gnomAD compares: African/African-American, 0.66%; 1 homozygote.

Submissions (13):

Myriad Genetics, Inc.
Classification: Likely benign for Bloom syndrome. Last evaluated: 2026-06-30. Review status: criteria provided, single submitter. Criteria: Myriad Autosomal Dominant, Autosomal Recessive and X-Linked Classification Criteria (2023). Collection method: clinical testing. Allele origin: unknown.
Comment: This variant is considered likely benign. Homozygosity for this variant has been confirmed in one or more individuals lacking clinical features consistent with gene-specific recessive disease, indicating that this variant is unlikely to be pathogenic.

Labcorp Genetics (formerly Invitae), Labcorp
Classification: Benign for Bloom syndrome. Last evaluated: 2026-02-04. Review status: criteria provided, single submitter. Criteria: Invitae Variant Classification Sherloc (09022015). Collection method: clinical testing. Allele origin: germline.

Quest Diagnostics Nichols Institute San Juan Capistrano
Classification: Benign. Last evaluated: 2025-07-29. Review status: criteria provided, single submitter. Criteria: Quest Diagnostics criteria. Collection method: clinical testing. Allele origin: unknown.

Blueprint Genetics
Classification: Likely benign. Last evaluated: 2024-09-18. Review status: criteria provided, single submitter. Criteria: ACMG Guidelines, 2015. Collection method: clinical testing. Allele origin: germline.

ARUP Laboratories, Molecular Genetics and Genomics, ARUP Laboratories
Classification: Likely benign for Bloom syndrome. Last evaluated: 2024-07-30. Review status: criteria provided, single submitter. Criteria: ARUP Molecular Germline Variant Investigation Process 2024. Collection method: clinical testing. Allele origin: germline.

Women's Health and Genetics/Laboratory Corporation of America, LabCorp
Classification: Likely benign. Last evaluated: 2023-09-18. Review status: criteria provided, single submitter. Criteria: LabCorp Variant Classification Summary - May 2015. Collection method: clinical testing. Allele origin: germline.
Comment: Variant summary: BLM c.254G>C (p.Arg85Thr) results in a non-conservative amino acid change located in the RecQ-like DNA helicase BLM, N-terminal domain (IPR032437) of the encoded protein sequence. Four of five in-silico tools predict a benign effect of the variant on protein function. The variant allele was found at a frequency of 0.00051 in 251336 control chromosomes, predominantly at a frequency of 0.0062 within the African or African-American subpopulation in the gnomAD database, including 2 homozygotes. The observed variant frequency within African or African-American control individuals in the gnomAD database is approximately 2 fold of the estimated maximal expected allele frequency for a pathogenic variant in BLM causing Bloom Syndrome phenotype (0.0035), strongly suggesting that the variant is a benign polymorphism found primarily in populations of African or African-American origin. c.254G>C has been reported in the literature in patients who underwent hereditary multigene panel testing for breast cancer, however authors classified the variant as VUS (example: Guindalini_2022). This report does not provide unequivocal conclusions about association of the variant with Bloom Syndrome. To our knowledge, no experimental evidence demonstrating an impact on protein function has been reported. The following publication has been ascertained in the context of this evaluation (PMID: 35264596). Eight submitters have cited clinical-significance assessments for this variant to ClinVar after 2014. All submitters classified the variant as benign/likely benign. Based on the evidence outlined above, the variant was classified as likely benign.

GeneDx
Classification: Likely benign. Last evaluated: 2022-06-08. Review status: criteria provided, single submitter. Criteria: GeneDx Variant Classification Process June 2021. Collection method: clinical testing. Allele origin: germline. Affected: yes.
Comment: See Variant Classification Assertion Criteria.

Sema4
Classification: Likely benign for Hereditary cancer-predisposing syndrome. Last evaluated: 2021-04-12. Review status: criteria provided, single submitter. Criteria: Sema4 Curation Guidelines. Collection method: curation. Allele origin: germline.

Ambry Genetics
Classification: Likely benign for Hereditary cancer-predisposing syndrome. Last evaluated: 2019-04-28. Review status: criteria provided, single submitter. Criteria: Ambry Variant Classification Scheme 2023. Collection method: clinical testing. Allele origin: germline.

Mendelics
Classification: Likely benign for Bloom syndrome. Last evaluated: 2018-07-02. Review status: criteria provided, single submitter. Criteria: Mendelics Assertion Criteria 2017. Collection method: clinical testing. Allele origin: unknown.

Eurofins Ntd Llc (ga)
Classification: Likely benign. Last evaluated: 2017-06-30. Review status: criteria provided, single submitter. Criteria: EGL Classification Definitions 2015. Collection method: clinical testing. Allele origin: germline. Observed: 2 variant alleles, 2 heterozygotes.

Natera, Inc.
Classification: Benign for Bloom syndrome. Last evaluated: 2018-04-02. Review status: no assertion criteria provided. Collection method: clinical testing. Allele origin: germline. Not counted in ClinVar's aggregate classification.

ITMI
No classification provided. Condition: AllHighlyPenetrant. Last evaluated: 2013-09-19. Review status: no classification provided. Collection method: reference population. Allele origin: germline. Not counted in ClinVar's aggregate classification.
Comment: Please see associated publication for description of ethnicities

Literature cited by the submitters: PubMed 35264596 (cited by Quest Diagnostics Nichols Institute San Juan Capistrano and Women's Health and Genetics/Laboratory Corporation of America, LabCorp); PubMed 24728327 (cited by Quest Diagnostics Nichols Institute San Juan Capistrano and ITMI).

NM_000057.4(BLM):c.254G>C (p.Arg85Thr)

Gene: BLM (BLM RecQ like helicase; plus strand). Cytogenetic location: 15q26.1.
Variant type: single nucleotide variant.
Coding change: c.254G>C on transcript NM_000057.4 (MANE Select); coding-DNA position 254, G replaced by C.
Protein change: p.Arg85Thr; replaces arginine 85 with threonine.
Molecular consequence: missense variant. On other transcripts: 5 prime UTR variant (1).
Genome position (GRCh38, 1-based): chr15:90,749,522, G>C. VCF-style: chr15-90749522-G-C. GRCh37 (hg19) VCF-style: chr15-91292752-G-C.
Other names: p.R85T:AGG>ACG; c.254G>C, p.Arg85Thr (NM_001287246.2, NM_001287247.2); c.-1038G>C (NM_001287248.2); short protein forms R85T.
Identifiers: ClinVar variation 127488 (VCV000127488.34), dbSNP rs141503266, ClinGen allele CA157421.